The following is an entry in ClinVar:

NM_021930.6(RINT1):c.271C>A (p.Gln91Lys)

Gene: RINT1 (RAD50 interactor 1; plus strand). Cytogenetic location: 7q22.3.
Variant type: single nucleotide variant.
Coding change: c.271C>A on transcript NM_021930.6 (MANE Select); coding-DNA position 271, C replaced by A.
Protein change: p.Gln91Lys; replaces glutamine 91 with lysine.
Molecular consequence: missense variant. On other transcripts: 5 prime UTR variant (3), non-coding transcript variant (1), intron variant (1).
Genome position (GRCh38, 1-based): chr7:105,536,747, C>A. VCF-style: chr7-105536747-C-A. GRCh37 (hg19) VCF-style: chr7-105177194-C-A.
Other names: c.-749C>A (NM_001346600.2); c.-652C>A (NM_001346601.2); c.-272C>A (NM_001346603.2); c.39+135C>A (NM_001346599.2); c.271C>A (NM_021930.4); short protein forms Q91K.
Identifiers: ClinVar variation 1051721 (VCV001051721.10), dbSNP rs759572033, ClinGen allele CA4426372.

ClinVar aggregate classification (germline): Uncertain significance. Review status: criteria provided, multiple submitters, no conflicts (2 of 4 stars). 2 submissions from 2 submitters: Uncertain significance (2). Last evaluated 2025-05-19.

Allele frequency attached by ClinVar (database versions not stated): gnomAD exomes below 0.00001; ExAC 0.00001.
gnomAD v4.1: 3 of 1,580,020 alleles (0.00019%); highest among the groups gnomAD compares: East Asian, 0.0022%; no homozygotes.

Submissions (2):

Ambry Genetics
Classification: Uncertain significance. Last evaluated: 2025-05-19. Review status: criteria provided, single submitter. Criteria: Ambry Variant Classification Scheme 2023. Collection method: clinical testing. Allele origin: germline.
Comment: The p.Q91K variant (also known as c.271C>A), located in coding exon 3 of the RINT1 gene, results from a C to A substitution at nucleotide position 271. The glutamine at codon 91 is replaced by lysine, an amino acid with similar properties. This amino acid position is conserved. In addition, this alteration is predicted to be tolerated by in silico analysis. Based on the available evidence, the clinical significance of this variant remains unclear.

Labcorp Genetics (formerly Invitae), Labcorp
Classification: Uncertain significance. Last evaluated: 2024-04-15. Review status: criteria provided, single submitter. Criteria: Invitae Variant Classification Sherloc (09022015). Collection method: clinical testing. Allele origin: germline.
Comment: This sequence change replaces glutamine, which is neutral and polar, with lysine, which is basic and polar, at codon 91 of the RINT1 protein (p.Gln91Lys). The frequency data for this variant in the population databases is considered unreliable, as metrics indicate poor data quality at this position in the gnomAD database. This variant has not been reported in the literature in individuals affected with RINT1-related conditions. ClinVar contains an entry for this variant (Variation ID: 1051721). An algorithm developed to predict the effect of missense changes on protein structure and function (PolyPhen-2) suggests that this variant is likely to be tolerated. In summary, the available evidence is currently insufficient to determine the role of this variant in disease. Therefore, it has been classified as a Variant of Uncertain Significance.